The following is an entry in ClinVar:

NM_005340.7(HINT1):c.302G>A (p.Gly101Asp)

Gene: HINT1 (histidine triad nucleotide binding protein 1; minus strand). Cytogenetic location: 5q23.3.
Variant type: single nucleotide variant.
Coding change: c.302G>A on transcript NM_005340.7 (MANE Select); coding-DNA position 302, G replaced by A.
Protein change: p.Gly101Asp; replaces glycine 101 with aspartic acid.
Molecular consequence: missense variant. On other transcripts: non-coding transcript variant (5).
Genome position (GRCh38, 1-based): chr5:131,159,526, C>T on the plus strand (G>A on the coding strand, the complement: HINT1 is on the minus strand). VCF-style: chr5-131159526-C-T. GRCh37 (hg19) VCF-style: chr5-130495219-C-T.
Other names: short protein forms G101D.
Identifiers: ClinVar variation 1355543 (VCV001355543.8), dbSNP rs1333885799, ClinGen allele CA360838178.
Genomic context (GRCh38, chr5:131,159,526, plus strand): 5'-ATTTGCCGACCTCCAAGAACATGGAGATGAACGTGATAGACAGACTGTCCACCATCTGAA[C>T]CTTCATTCACCACCATTCGATAACCCTTATTCAGGCCCAGATCAGCAGCACATTTCTTGC-3'
Protein context (NP_005331.1, residues 91-111): NKGYRMVVNE[Gly101Asp]SDGGQSVYHV

ClinVar aggregate classification (germline): Uncertain significance (1 of 4 stars; one submission).

Conditions:
Autosomal recessive axonal neuropathy with neuromyotonia (NMAN). Also called: MYOKYMIA, MYOTONIA, AND MUSCLE WASTING; Gamstorp-Wohlfart syndrome; Neuromyotonia and axonal neuropathy, autosomal recessive. Identifiers: Orphanet 324442, MedGen C5700127, MONDO:0007646, OMIM 137200.

Allele frequency attached by ClinVar (database versions not stated): gnomAD exomes below 0.00001; gnomAD 0.00001.
gnomAD v4.1: 2 of 1,613,678 alleles (0.00012%); highest among the groups gnomAD compares: African/African-American, 0.0027%; no homozygotes.

Submission:

Labcorp Genetics (formerly Invitae), Labcorp
Classification: Uncertain significance for Autosomal recessive axonal neuropathy with neuromyotonia. Last evaluated: 2022-02-24. Review status: criteria provided, single submitter. Criteria: Invitae Variant Classification Sherloc (09022015). Collection method: clinical testing. Allele origin: germline.
Comment: Algorithms developed to predict the effect of missense changes on protein structure and function are either unavailable or do not agree on the potential impact of this missense change (SIFT: "Deleterious"; PolyPhen-2: "Possibly Damaging"; Align-GVGD: "Class C0"). In summary, the available evidence is currently insufficient to determine the role of this variant in disease. Therefore, it has been classified as a Variant of Uncertain Significance. This sequence change replaces glycine, which is neutral and non-polar, with aspartic acid, which is acidic and polar, at codon 101 of the HINT1 protein (p.Gly101Asp). This variant is present in population databases (no rsID available, gnomAD 0.01%). This variant has not been reported in the literature in individuals affected with HINT1-related conditions.